The following is an entry in ClinVar:

ClinVar aggregate classification (germline): Pathogenic (1 of 4 stars; one submission).

Conditions:
Familial adenomatous polyposis 1 (FAP1). Also called: FAMILIAL ADENOMATOUS POLYPOSIS 1, ATTENUATED; POLYPOSIS, ADENOMATOUS INTESTINAL. Identifiers: MedGen C2713442, MONDO:0021056, OMIM 175100. Disease mechanism: loss of function.

Submission:

Labcorp Genetics (formerly Invitae), Labcorp
Classification: Pathogenic for Familial adenomatous polyposis 1. Last evaluated: 2022-07-11. Review status: criteria provided, single submitter. Criteria: Invitae Variant Classification Sherloc (09022015). Collection method: clinical testing. Allele origin: germline.
Comment: This variant is a gross deletion of the genomic region encompassing exon(s) 10-11 of the APC gene. This deletion is out-of-frame, and is expected to create a premature termination codon and result in an absent or disrupted protein product. Loss-of-function variants in APC are known to be pathogenic (PMID: 17963004, 20685668). A similar copy number variant has been observed in individual(s) with familial adenomatous polyposis (PMID: 18487285). This variant is also known as deletion of exons 9-10. For these reasons, this variant has been classified as Pathogenic.

Literature cited by the submitters: PubMed 17963004; PubMed 20685668; PubMed 18487285.

NC_000005.9:g.(?_112154657)_(112157694_?)del

Gene: APC (APC regulator of Wnt signaling pathway; plus strand). Cytogenetic location: 5q22.2.
Variant type: Deletion.
Identifiers: ClinVar variation 1069154 (VCV001069154.45).